The following is an entry in ClinVar:

NM_002314.4(LIMK1):c.374C>T (p.Thr125Met)

Gene: LIMK1 (LIM domain kinase 1; plus strand). Cytogenetic location: 7q11.23.
Variant type: single nucleotide variant.
Coding change: c.374C>T on transcript NM_002314.4 (MANE Select); coding-DNA position 374, C replaced by T.
Protein change: p.Thr125Met; replaces threonine 125 with methionine.
Molecular consequence: missense variant.
Genome position (GRCh38, 1-based): chr7:74,097,162, C>T. VCF-style: chr7-74097162-C-T. GRCh37 (hg19) VCF-style: chr7-73511492-C-T.
Other names: c.272C>T, p.Thr91Met (NM_001204426.2); short protein forms T125M, T91M.
Identifiers: ClinVar variation 5039355 (VCV005039355.1).
Genomic context (GRCh38, chr7:74,097,162, plus strand): 5'-ACCCCGAGTGTTTCATCTGCCTCACGTGTGGGACCTTTATCGGTGACGGGGACACCTACA[C>T]GCTGGTGGAGCACTCCAAGCTGTACTGGTGAGTGCCTTGGCCCCTCCCTGAGCCTAGGAG-3'
Protein context (NP_002305.1, residues 115-135): GTFIGDGDTY[Thr125Met]LVEHSKLYCG

ClinVar aggregate classification (germline): Uncertain significance (1 of 4 stars; one submission).

gnomAD v4.1: 24 of 1,612,194 alleles (0.0015%); highest among the groups gnomAD compares: South Asian, 0.0077%; no homozygotes.

Submission:

CeGaT Center for Human Genetics Tuebingen
Classification: Uncertain significance. Last evaluated: 2026-08-01. Review status: criteria provided, single submitter. Criteria: CeGaT Center For Human Genetics Tuebingen Variant Classification Criteria Version 2. Collection method: clinical testing. Allele origin: germline. Affected: yes. Observed: 1 variant allele.
Comment: LIMK1: PM2